The following is an entry in ClinVar:

ClinVar aggregate classification (germline): Uncertain significance (1 of 4 stars; one submission).

Conditions:
Autosomal recessive spinocerebellar ataxia 12. Also called: SPINOCEREBELLAR ATAXIA WITH MENTAL RETARDATION AND EPILEPSY. Identifiers: Orphanet 284282, MedGen C3280452, MONDO:0013687, OMIM 614322.
Developmental and epileptic encephalopathy, 1 (DEE1). Also called: OHTAHARA SYNDROME, X-LINKED; INFANTILE SPASM SYNDROME, X-LINKED 1; X-linked infantile spasms; West's syndrome; Tonic spasms with clustering, arrest of psychomotor development and hypsarrhythmia on EEG; X-Linked Infantile Spasm Syndrome. Identifiers: MedGen C3463992, MONDO:0010632, OMIM 308350. Disease mechanism: loss of function.

Allele frequency attached by ClinVar (database versions not stated): gnomAD exomes 0.00001.
gnomAD v4.1: 16 of 1,614,210 alleles (0.00099%); highest among the groups gnomAD compares: East Asian, 0.0022%; no homozygotes.

Submission:

Labcorp Genetics (formerly Invitae), Labcorp
Classification: Uncertain significance for Developmental and epileptic encephalopathy, 1; Autosomal recessive spinocerebellar ataxia 12. Last evaluated: 2022-08-23. Review status: criteria provided, single submitter. Criteria: Invitae Variant Classification Sherloc (09022015). Collection method: clinical testing. Allele origin: germline.
Comment: This sequence change replaces methionine, which is neutral and non-polar, with threonine, which is neutral and polar, at codon 327 of the WWOX protein (p.Met327Thr). This variant is present in population databases (no rsID available, gnomAD 0.01%). This variant has not been reported in the literature in individuals affected with WWOX-related conditions. ClinVar contains an entry for this variant (Variation ID: 1517589). Algorithms developed to predict the effect of missense changes on protein structure and function are either unavailable or do not agree on the potential impact of this missense change (SIFT: "Not Available"; PolyPhen-2: "Benign"; Align-GVGD: "Not Available"). In summary, the available evidence is currently insufficient to determine the role of this variant in disease. Therefore, it has been classified as a Variant of Uncertain Significance.

NM_016373.4(WWOX):c.980T>C (p.Met327Thr)

Gene: WWOX (WW domain containing oxidoreductase; plus strand). Cytogenetic location: 16q23.1.
Variant type: single nucleotide variant.
Coding change: c.980T>C on transcript NM_016373.4 (MANE Select); coding-DNA position 980, T replaced by C.
Protein change: p.Met327Thr; replaces methionine 327 with threonine.
Molecular consequence: missense variant.
Genome position (GRCh38, 1-based): chr16:78,432,676, T>C. VCF-style: chr16-78432676-T-C. GRCh37 (hg19) VCF-style: chr16-78466573-T-C.
Other names: c.641T>C, p.Met214Thr (NM_001291997.2); short protein forms M214T, M327T.
Identifiers: ClinVar variation 1517589 (VCV001517589.8), dbSNP rs1567570484, ClinGen allele CA396843386.